The following is an entry in ClinVar:

NM_014251.3(SLC25A13):c.960A>G (p.Pro320=)

Gene: SLC25A13 (solute carrier family 25 member 13; minus strand). Cytogenetic location: 7q21.3.
Variant type: single nucleotide variant.
Coding change: c.960A>G on transcript NM_014251.3 (MANE Select); coding-DNA position 960, A replaced by G.
Protein change: p.Pro320=; no amino-acid change (proline 320 retained).
Molecular consequence: synonymous variant. On other transcripts: non-coding transcript variant (1).
Genome position (GRCh38, 1-based): chr7:96,184,985, T>C on the plus strand (A>G on the coding strand, the complement: SLC25A13 is on the minus strand). VCF-style: chr7-96184985-T-C. GRCh37 (hg19) VCF-style: chr7-95814297-T-C.
Other names: c.963A>G, p.Pro321= (NM_001160210.2).
Identifiers: ClinVar variation 499617 (VCV000499617.18), dbSNP rs765358773, ClinGen allele CA4353079.

ClinVar aggregate classification (germline): Conflicting classifications of pathogenicity. Review status: criteria provided, conflicting classifications (1 of 4 stars). 4 submissions from 4 submitters: Uncertain significance (1); Likely benign (1). 2 of the submissions do not count toward it. Last evaluated 2026-01-12.

Conditions:
Citrullinemia. Identifiers: Orphanet 187, MedGen C0175683, MONDO:0015991.
SLC25A13-related disorder. Also called: SLC25A13-related condition.
Citrin deficiency. Identifiers: Orphanet 247582, MedGen C1997910, MONDO:0016602.

Allele frequency attached by ClinVar (database versions not stated): gnomAD 0.00004 and 0.00005; TOPMed 0.00007; gnomAD exomes 0.00008 and 0.00018; ExAC 0.00013.
gnomAD v4.1: 54 of 1,614,020 alleles (0.0033%); highest among the groups gnomAD compares: Admixed American, 0.082%; no homozygotes.

Submissions (4):

Labcorp Genetics (formerly Invitae), Labcorp
Classification: Likely benign for Citrin deficiency. Last evaluated: 2026-01-12. Review status: criteria provided, single submitter. Criteria: Invitae Variant Classification Sherloc (09022015). Collection method: clinical testing. Allele origin: germline.

Eurofins Ntd Llc (ga)
Classification: Uncertain significance. Last evaluated: 2017-01-03. Review status: criteria provided, single submitter. Criteria: EGL Classification Definitions 2015. Collection method: clinical testing. Allele origin: germline. Observed: 1 variant allele, 1 heterozygote.

PreventionGenetics, part of Exact Sciences
Classification: Likely benign for SLC25A13-related condition. Last evaluated: 2023-12-04. Review status: no assertion criteria provided. Collection method: clinical testing. Allele origin: germline. Not counted in ClinVar's aggregate classification.
Comment: This variant is classified as likely benign based on ACMG/AMP sequence variant interpretation guidelines (Richards et al. 2015 PMID: 25741868, with internal and published modifications).

Natera, Inc.
Classification: Likely benign for Citrullinemia. Last evaluated: 2020-11-19. Review status: no assertion criteria provided. Collection method: clinical testing. Allele origin: germline. Not counted in ClinVar's aggregate classification.